The following is an entry in ClinVar:

NM_000260.4(MYO7A):c.208A>G (p.Met70Val)

Gene: MYO7A (myosin VIIA; plus strand). Cytogenetic location: 11q13.5.
Variant type: single nucleotide variant.
Coding change: c.208A>G on transcript NM_000260.4 (MANE Select); coding-DNA position 208, A replaced by G.
Protein change: p.Met70Val; replaces methionine 70 with valine.
Molecular consequence: missense variant.
Genome position (GRCh38, 1-based): chr11:77,147,873, A>G. VCF-style: chr11-77147873-A-G. GRCh37 (hg19) VCF-style: chr11-76858919-A-G.
Other names: c.208A>G, p.Met70Val (NM_001127180.2); c.175A>G, p.Met59Val (NM_001369365.1); short protein forms M70V, M59V.
Identifiers: ClinVar variation 1404554 (VCV001404554.7), dbSNP rs2135707687, ClinGen allele CA381929007.

ClinVar aggregate classification (germline): Uncertain significance (1 of 4 stars; one submission).

Submission:

Labcorp Genetics (formerly Invitae), Labcorp
Classification: Uncertain significance. Last evaluated: 2024-02-17. Review status: criteria provided, single submitter. Criteria: Invitae Variant Classification Sherloc (09022015). Collection method: clinical testing. Allele origin: germline.
Comment: This sequence change replaces methionine, which is neutral and non-polar, with valine, which is neutral and non-polar, at codon 70 of the MYO7A protein (p.Met70Val). This variant is not present in population databases (gnomAD no frequency). This variant has not been reported in the literature in individuals affected with MYO7A-related conditions. ClinVar contains an entry for this variant (Variation ID: 1404554). Advanced modeling of protein sequence and biophysical properties (such as structural, functional, and spatial information, amino acid conservation, physicochemical variation, residue mobility, and thermodynamic stability) has been performed at Invitae for this missense variant, however the output from this modeling did not meet the statistical confidence thresholds required to predict the impact of this variant on MYO7A protein function. In summary, the available evidence is currently insufficient to determine the role of this variant in disease. Therefore, it has been classified as a Variant of Uncertain Significance.